The following is an entry in ClinVar:

NM_001035.3(RYR2):c.2364C>A (p.Phe788Leu)

Gene: RYR2 (ryanodine receptor 2; plus strand). Cytogenetic location: 1q43.
Variant type: single nucleotide variant.
Coding change: c.2364C>A on transcript NM_001035.3 (MANE Select); coding-DNA position 2364, C replaced by A.
Protein change: p.Phe788Leu; replaces phenylalanine 788 with leucine.
Molecular consequence: missense variant.
Genome position (GRCh38, 1-based): chr1:237,500,871, C>A. VCF-style: chr1-237500871-C-A. GRCh37 (hg19) VCF-style: chr1-237664171-C-A.
Other names: c.2364C>A, p.Phe788Leu (LRG_402t1); short protein forms F788L.
Identifiers: ClinVar variation 576435 (VCV000576435.19), dbSNP rs776018906, ClinGen allele CA086022.
Genomic context (GRCh38, chr1:237,500,871, plus strand): 5'-CCGAATTAATGGACAACCTGTTCAAGGAATGTTTGAGAATTTCAACATCGATGGCCTCTT[C>A]TTTCCAGTCGTTAGTTTCTCTGCAGGAATAAAGTTAGTATGTCTATGTTTTTTGGTCTCT-3'
Protein context (NP_001026.2, residues 778-798): MFENFNIDGL[Phe788Leu]FPVVSFSAGI

ClinVar aggregate classification (germline): Uncertain significance. Review status: criteria provided, multiple submitters, no conflicts (2 of 4 stars). 6 submissions from 6 submitters: Uncertain significance (6). Last evaluated 2025-07-19.

Conditions:
Catecholaminergic polymorphic ventricular tachycardia (CVPT). Also called: Catecholamine-induced polymorphic ventricular tachycardia. Identifiers: Orphanet 3286, MedGen C5574922, MONDO:0017990.
Cardiomyopathy (CMYO). Also called: Cardiomyopathies. Identifiers: Orphanet 167848, MedGen C0878544, MONDO:0004994, HP:0001638. Inheritance: Various modes of inheritance.
Cardiovascular phenotype. Identifiers: MedGen CN230736.
Catecholaminergic polymorphic ventricular tachycardia 1. Also called: VENTRICULAR TACHYCARDIA, CATECHOLAMINERGIC POLYMORPHIC, 1, WITH OR WITHOUT ATRIAL DYSFUNCTION AND/OR DILATED CARDIOMYOPATHY; VENTRICULAR TACHYCARDIA, STRESS-INDUCED POLYMORPHIC 1; RYR2-Related Catecholaminergic Polymorphic Ventricular Tachycardia. Identifiers: Orphanet 3286, MedGen C1631597, MONDO:0011484, OMIM 604772.

Allele frequency attached by ClinVar (database versions not stated): TOPMed below 0.00001; gnomAD exomes 0.00001; ExAC 0.00002.
gnomAD v4.1: 6 of 1,613,936 alleles (0.00037%); highest among the groups gnomAD compares: Non-Finnish European, 0.00034%; no homozygotes.

Submissions (6):

GeneDx
Classification: Uncertain significance. Last evaluated: 2025-07-19. Review status: criteria provided, single submitter. Criteria: GeneDx Variant Classification Process June 2021. Collection method: clinical testing. Allele origin: germline. Affected: yes.
Comment: Not observed at significant frequency in large population cohorts (gnomAD); In silico analysis supports that this missense variant has a deleterious effect on protein structure/function; Has not been previously published as pathogenic or benign to our knowledge; Not located in one of the three hot-spot regions of the RYR2 gene, where the majority of pathogenic missense variants occur (PMID: 19926015); This variant is associated with the following publications: (PMID: 19926015)

Labcorp Genetics (formerly Invitae), Labcorp
Classification: Uncertain significance for Catecholaminergic polymorphic ventricular tachycardia 1. Last evaluated: 2024-09-19. Review status: criteria provided, single submitter. Criteria: Invitae Variant Classification Sherloc (09022015). Collection method: clinical testing. Allele origin: germline.
Comment: This sequence change replaces phenylalanine, which is neutral and non-polar, with leucine, which is neutral and non-polar, at codon 788 of the RYR2 protein (p.Phe788Leu). This variant is present in population databases (rs776018906, gnomAD 0.003%). This variant has not been reported in the literature in individuals affected with RYR2-related conditions. ClinVar contains an entry for this variant (Variation ID: 576435). Invitae Evidence Modeling of protein sequence and biophysical properties (such as structural, functional, and spatial information, amino acid conservation, physicochemical variation, residue mobility, and thermodynamic stability) indicates that this missense variant is not expected to disrupt RYR2 protein function with a negative predictive value of 95%. In summary, the available evidence is currently insufficient to determine the role of this variant in disease. Therefore, it has been classified as a Variant of Uncertain Significance.

All of Us Research Program, National Institutes of Health
Classification: Uncertain significance for Catecholaminergic polymorphic ventricular tachycardia. Last evaluated: 2024-09-13. Review status: criteria provided, single submitter. Criteria: ACMG Guidelines, 2015. Collection method: clinical testing. Allele origin: germline. Inheritance: Autosomal dominant inheritance. Observed: 1 variant allele, 1 heterozygote.
Comment: This missense variant replaces phenylalanine with leucine at codon 788 of the RYR2 protein. Computational prediction suggests that this variant may not impact protein structure and function (internally defined REVEL score threshold <= 0.5, PMID: 27666373). To our knowledge, functional studies have not been reported for this variant. This variant has not been reported in individuals affected with RYR2-related disorders in the literature. This variant has been identified in 3/249286 chromosomes in the general population by the Genome Aggregation Database (gnomAD). The available evidence is insufficient to determine the role of this variant in disease conclusively. Therefore, this variant is classified as a Variant of Uncertain Significance.

This study involves interpretation of variants in research participants for the purpose of population health screening. Participant phenotype was not available at the time of variant classification. Additional details can be found in publication PMID: 35346344, PMCID: PMC8962531

Color Diagnostics, LLC DBA Color Health
Classification: Uncertain significance for Cardiomyopathy. Last evaluated: 2024-07-10. Review status: criteria provided, single submitter. Criteria: ACMG Guidelines, 2015. Collection method: clinical testing. Allele origin: germline.
Comment: This missense variant replaces phenylalanine with leucine at codon 788 of the RYR2 protein. Computational prediction suggests that this variant may not impact protein structure and function (internally defined REVEL score threshold <= 0.5, PMID: 27666373). To our knowledge, functional studies have not been reported for this variant. This variant has not been reported in individuals affected with RYR2-related disorders in the literature. This variant has been identified in 3/249286 chromosomes in the general population by the Genome Aggregation Database (gnomAD). The available evidence is insufficient to determine the role of this variant in disease conclusively. Therefore, this variant is classified as a Variant of Uncertain Significance.

Ambry Genetics
Classification: Uncertain significance for Cardiovascular phenotype. Last evaluated: 2021-06-21. Review status: criteria provided, single submitter. Criteria: Ambry Variant Classification Scheme 2023. Collection method: clinical testing. Allele origin: germline.
Comment: The p.F788L variant (also known as c.2364C>A), located in coding exon 21 of the RYR2 gene, results from a C to A substitution at nucleotide position 2364. The phenylalanine at codon 788 is replaced by leucine, an amino acid with highly similar properties. This amino acid position is highly conserved in available vertebrate species. In addition, this alteration is predicted to be tolerated by in silico analysis. Since supporting evidence is limited at this time, the clinical significance of this alteration remains unclear.

ARUP Laboratories, Molecular Genetics and Genomics, ARUP Laboratories
Classification: Uncertain significance. Last evaluated: 2018-05-18. Review status: criteria provided, single submitter. Criteria: ARUP Molecular Germline Variant Investigation Process. Collection method: clinical testing. Allele origin: germline.
Comment: The p.Phe788Leu variant (rs776018906) has not been reported in the medical literature, gene specific variation databases, nor has it been previously identified by our laboratory. This variant is listed in the Genome Aggregation Database (gnomAD) with an overall population frequency of 0.001 percent (identified on 3 out of 246,232 chromosomes). The phenylalanine at position 788 is highly conserved considering 10 species (Alamut v2.11) and computational analyses of the p.Phe788Leu variant on protein structure and function indicates a deleterious effect (SIFT: damaging, PolyPhen-2: possibly damaging). Altogether, there is not enough evidence to classify the p.Phe788Leu variant with certainty.